The following is an entry in ClinVar:

ClinVar aggregate classification (germline): Uncertain significance (1 of 4 stars; one submission).

Conditions:
Familial thoracic aortic aneurysm and aortic dissection (TAAD). Also called: Thoracic aortic aneurysms and dissections. Identifiers: Orphanet 91387, MedGen C4707243, MONDO:0019625.

Submission:

Ambry Genetics
Classification: Uncertain significance for Familial thoracic aortic aneurysm and aortic dissection. Last evaluated: 2023-08-25. Review status: criteria provided, single submitter. Criteria: Ambry Variant Classification Scheme 2023. Collection method: clinical testing. Allele origin: germline.
Comment: The p.G1640A variant (also known as c.4919G>C), located in coding exon 28 of the FLNA gene, results from a G to C substitution at nucleotide position 4919. The glycine at codon 1640 is replaced by alanine, an amino acid with similar properties. This amino acid position is highly conserved in available vertebrate species. In addition, this alteration is predicted to be deleterious by in silico analysis. Since supporting evidence is limited at this time, the clinical significance of this alteration remains unclear.

NM_001110556.2(FLNA):c.4919G>C (p.Gly1640Ala)

Gene: FLNA (filamin A; minus strand). Cytogenetic location: Xq28.
Variant type: single nucleotide variant.
Coding change: c.4919G>C on transcript NM_001110556.2 (MANE Select); coding-DNA position 4919, G replaced by C.
Protein change: p.Gly1640Ala; replaces glycine 1640 with alanine.
Molecular consequence: missense variant.
Genome position (GRCh38, 1-based): chrX:154,357,460, C>G on the plus strand (G>C on the coding strand, the complement: FLNA is on the minus strand). VCF-style: chrX-154357460-C-G. GRCh37 (hg19) VCF-style: chrX-153585828-C-G.
Other names: c.4919G>C, p.Gly1640Ala (NM_001456.4); short protein forms G1640A.
Identifiers: ClinVar variation 2626171 (VCV002626171.2), dbSNP rs2522733225, ClinGen allele CA415213298.
Genomic context (GRCh38, chrX:154,357,460, plus strand): 5'-GAGCGCCGCAGCGGCCAACAGCGGGCGGGCTCACCTGTGACAGTGCACTTGCTGGCGTCC[C>G]CGGTGGGCACGGCACGCACGCGGTACGGGGAGAAGGGGATCTCGTCACCACCGTACTTGA-3'
Protein context (NP_001104026.1, residues 1630-1650): SPYRVRAVPT[Gly1640Ala]DASKCTVTVS